The following is an entry in ClinVar:

NM_001023.4(RPS20):c.3+11_3+20del

Gene: RPS20 (ribosomal protein S20; minus strand). Cytogenetic location: 8q12.1.
Variant type: Deletion.
Coding change: c.3+11_3+20del on transcript NM_001023.4 (MANE Select); bases 11 to 20 of the intron after coding-DNA position 3, 10 bases deleted (AGTCGGCGGC; older notation c.3+11_3+20delAGTCGGCGGC).
Molecular consequence: intron variant.
Genome position (GRCh38, 1-based): chr8:56,074,361-56,074,370, GCCGCCGACT deleted on the plus strand (AGTCGGCGGC on the coding strand, the reverse complement: RPS20 is on the minus strand); deleting any 10 consecutive bases within chr8:56,074,361-56,074,376 gives the same sequence; the c. name uses the placement nearest the transcript's 3' end. VCF-style (leftmost placement, unchanged base first): chr8-56074360-CGCCGCCGACT-C. GRCh37 (hg19) VCF-style: chr8-56986919-CGCCGCCGACT-C.
Other names: c.3+11_3+20del (NM_001146227.3).
Identifiers: ClinVar variation 2728222 (VCV002728222.3), dbSNP rs1563348617, ClinGen allele CA581957284.

ClinVar aggregate classification (germline): Uncertain significance (1 of 4 stars; one submission).

Submission:

Labcorp Genetics (formerly Invitae), Labcorp
Classification: Uncertain significance. Last evaluated: 2023-01-13. Review status: criteria provided, single submitter. Criteria: Invitae Variant Classification Sherloc (09022015). Collection method: clinical testing. Allele origin: germline.
Comment: In summary, the available evidence is currently insufficient to determine the role of this variant in disease. Therefore, it has been classified as a Variant of Uncertain Significance. Algorithms developed to predict the effect of sequence changes on RNA splicing suggest that this variant may disrupt the consensus splice site. This variant has not been reported in the literature in individuals affected with RPS20-related conditions. This variant is present in population databases (no rsID available, gnomAD 0.004%). This sequence change falls in intron 1 of the RPS20 gene. It does not directly change the encoded amino acid sequence of the RPS20 protein.